The following is an entry in ClinVar:

NM_005476.7(GNE):c.2086G>A (p.Val696Met)

Gene: GNE (glucosamine (UDP-N-acetyl)-2-epimerase/N-acetylmannosamine kinase; minus strand). Cytogenetic location: 9p13.3.
Variant type: single nucleotide variant.
Coding change: c.2086G>A on transcript NM_005476.7 (MANE Select); coding-DNA position 2086, G replaced by A.
Protein change: p.Val696Met; replaces valine 696 with methionine.
Molecular consequence: missense variant.
Genome position (GRCh38, 1-based): chr9:36,217,448, C>T on the plus strand (G>A on the coding strand, the complement: GNE is on the minus strand). VCF-style: chr9-36217448-C-T. GRCh37 (hg19) VCF-style: chr9-36217445-C-T.
Other names: rs121908627; p.Val727Met; c.2179G>A, p.Val727Met (NM_001128227.3); c.1864G>A, p.Val622Met (NM_001190383.3); c.1756G>A, p.Val586Met (NM_001190384.3); c.1909G>A, p.Val637Met (NM_001190388.2, NM_001374798.1); c.1933G>A, p.Val645Met (NM_001374797.1); c.2086G>A (NM_005476.6); short protein forms V696M, V586M, V622M, V727M, V637M, V645M.
Identifiers: ClinVar variation 6028 (VCV000006028.111), dbSNP rs121908627, ClinGen allele CA253688.

ClinVar aggregate classification (germline): Conflicting classifications of pathogenicity. Review status: criteria provided, conflicting classifications (1 of 4 stars). 41 submissions from 36 submitters: Pathogenic (21); Likely pathogenic (10); Uncertain significance (1). 9 of the submissions do not count toward it. Last evaluated 2026-06-15.

Conditions:
GNE myopathy (NM). Also called: MYOPATHY, DISTAL, WITH OR WITHOUT RIMMED VACUOLES; IBM 2; Inclusion body myopathy autosomal recessive; Inclusion body myopathy quadriceps sparing; NONAKA DISTAL MYOPATHY; INCLUSION BODY MYOPATHY, HEREDITARY, AUTOSOMAL RECESSIVE. Identifiers: Orphanet 602, MedGen C1853926, MONDO:0011603, OMIM 605820.
Thrombocytopenia 12 with or without myopathy (THC12). Identifiers: MedGen C5935593, MONDO:0958325, OMIM 620757.
GNE-related disorder. Also called: GNE-related condition.
Sialuria. Also called: SIALURIA, FRENCH TYPE; Sialic Acid Storage Disease. Identifiers: Orphanet 3166, MedGen C0342853, MONDO:0010028, OMIM 269921.
GNE-related disorders.

Allele frequency attached by ClinVar (database versions not stated): TOPMed 0.00002; 1000 Genomes Project 30x 0.00328; 1000 Genomes Project 0.00379.
gnomAD v4.1: 1,203 of 1,614,208 alleles (0.075%); highest among the groups gnomAD compares: South Asian, 1.2%; 12 homozygotes.

Submissions 1 to 8 of 41:

PreventionGenetics, part of Exact Sciences
Classification: Pathogenic for GNE-related condition. Last evaluated: 2026-06-15. Review status: criteria provided, single submitter. Criteria: ACMG Guidelines, 2015. Collection method: clinical testing. Allele origin: germline.
Comment: The GNE c.2179G>A variant is predicted to result in the amino acid substitution p.Val727Met. This variant is also known as c.2086G>A, p.Val696Met using an alternative transcript NM_005476.5. This variant has been reported in many individuals in the compound heterozygous state to be causative for recessive GNE myopathy (Eisenberg et al. 2001. PubMed ID: 11528398; Chaouch et al. 2014. PubMed ID: 24695763; Boyden et al. 2011. PubMed ID: 21708040; Voermans et al. 2010. PubMed ID: 20175955). The c.2179G>A variant has a minor allele frequency of 1.36% in South Asian populations which is consistent with this variant likely being a pathogenic founder mutation in individuals of Indian and Thai descent (Nalini et al. 2013. PubMed ID: 24005727; Tanboon et al. 2014. PubMed ID: 24707269; Voermans et al. 2010. PubMed ID: 20175955). Variants in GNE are also associated with autosomal dominant sialuria (Leroy et al. 2001. PubMed ID: 11326336). Some patients with GNE myopathy were reported to have mild, asymptomatic thrombocytopenia (Mori-Yoshimura et al. 2014. PubMed ID: 25303967). Two recent studies report patients with severe congenital thrombocytopenia with no clinical evidence of GNE myopathy who harbored homozygous variants in GNE (Revel-Vilk et al. 2018. PubMed ID: 30171045; Futterer et al. 2018. PubMed ID: 29941673). In addition to large platelets, patients showed bruising and bleeding tendencies though platelet aggregation appeared to be unaffected. In summary, the c.2179G>A variant is pathogenic for recessive GNE myopathy and may also be associated with other GNE-related conditions.

Kasturba Medical College, Manipal, Kasturba Medical College, Manipal, Manipal Academy of Higher Education, Manipal, India
Classification: Likely pathogenic for GNE myopathy. Last evaluated: 2026-04-23. Review status: criteria provided, single submitter. Criteria: ACMG Guidelines, 2015. Collection method: clinical testing. Allele origin: maternal. Inheritance: Autosomal recessive inheritance. Affected: yes.
Comment: This variant is present in 1203 individuals in heterozygous state and 12 individuals in homozygous state in gnomAD population database (v4.1.0). This variant is present in 157 individuals in heterozygous state and three individuals in homozygous state in our in-house database of 4200 exomes. This is a known founder variant and is highly prevalent among Indian patients with GNE myopathy (Bhattacharya et al., 2018).

Labcorp Genetics (formerly Invitae), Labcorp
Classification: Pathogenic for Sialuria; GNE myopathy. Last evaluated: 2026-02-04. Review status: criteria provided, single submitter. Criteria: Invitae Variant Classification Sherloc (09022015). Collection method: clinical testing. Allele origin: germline.
Comment: This sequence change replaces valine, which is neutral and non-polar, with methionine, which is neutral and non-polar, at codon 727 of the GNE protein (p.Val727Met). This variant is present in population databases (rs121908627, gnomAD 1.4%), including at least one homozygous and/or hemizygous individual. This missense change has been observed in individual(s) with autosomal recessive GNE myopathy/distal myopathy with rimmed vacuoles (PMID: 11528398, 12497639, 20175955, 21708040, 23437777, 24005727, 25182749, 27829678, 28320138, 28717665). In at least one individual the data is consistent with being in trans (on the opposite chromosome) from a pathogenic variant. It has also been observed to segregate with disease in related individuals. This variant is also known as p.Val696Met. ClinVar contains an entry for this variant (Variation ID: 6028). Invitae Evidence Modeling of protein sequence and biophysical properties (such as structural, functional, and spatial information, amino acid conservation, physicochemical variation, residue mobility, and thermodynamic stability) has been performed for this missense variant. However, the output from this modeling did not meet the statistical confidence thresholds required to predict the impact of this variant on GNE protein function. For these reasons, this variant has been classified as Pathogenic.

Women's Health and Genetics/Laboratory Corporation of America, LabCorp
Classification: Pathogenic for GNE myopathy. Last evaluated: 2026-01-26. Review status: criteria provided, single submitter. Criteria: LabCorp Variant Classification Summary - May 2015. Collection method: clinical testing. Allele origin: germline.
Comment: Variant summary: GNE c.2179G>A (p.Val727Met) results in a conservative amino acid change located in the N-acetylmannosamine kinase domain (UniProt) of the encoded protein sequence. Algorithms developed to predict the effect of missense changes on protein structure and function are either unavailable or do not agree on the potential impact of this missense change. The variant allele was found at a frequency of 0.0017 in 251452 control chromosomes in the gnomAD database, including 2 homozygotes. The observed variant frequency exceeds the estimated maximal expected allele frequency for disease-causing variants in GNE. c.2179G>A has been reported in the literature in numerous compound heterozygous individuals affected with Inclusion Body Myopathy 2 (IBM2) (e.g. Eisenberg_2003, Voermans_2010, Boyden_2011, Cerino_2015, Zhu_2017, Garland_2017, Bhattacharya_2018, Chakravorty_2020), and in some of these reports the variant was noted to segregate with the diseases in the affected families (Boyden_2011, Zhu_2017, Garland_2017). These data indicate that the variant is very likely to be associated with disease. To our knowledge, no experimental evidence demonstrating an impact on protein function has been reported. The following publications have been ascertained in the context of this evaluation (PMID: 27535533, 29480215, 21708040, 27858732, 33250842, 12497639, 28717665, 30842975, 20175955, 27829678, 34825065).ClinVar contains an entry for this variant (Variation ID: 6028). Based on the evidence outlined above, the variant was classified as pathogenic.

Natera, Inc.
Classification: Pathogenic for Nonaka myopathy. Last evaluated: 2026-01-10. Review status: criteria provided, single submitter. Criteria: Natera Variant Classification Schema (03/2026). Collection method: clinical testing. Allele origin: germline.
Comment: The c.2179G>A variant in GNE is a missense variant predicted to cause substitution of valine to methionine at amino acid 727. This variant has been observed in one or more individuals affected with the associated recessive disease, as either homozygous or compound heterozygous with a second variant (PMID: 27858732, 24695763). Additionally, this variant has been observed to segregate in affected family members (PMID: 12497639). Computational prediction algorithms indicate this variant is likely to affect gene or protein function. Given the available evidence, this variant is classified as Pathogenic.

CeGaT Center for Human Genetics Tuebingen
Classification: Pathogenic. Last evaluated: 2025-11-01. Review status: criteria provided, single submitter. Criteria: CeGaT Center For Human Genetics Tuebingen Variant Classification Criteria Version 2. Collection method: clinical testing. Allele origin: germline. Affected: yes. Observed: 3 variant alleles.
Comment: GNE: PM3:Very Strong, PM2:Supporting, PS3:Supporting

Variantyx, Inc.
Classification: Likely pathogenic for GNE myopathy. Last evaluated: 2025-09-19. Review status: criteria provided, single submitter. Criteria: Variantyx Assertion Criteria 2022. Collection method: clinical testing. Allele origin: germline. Inheritance: Autosomal recessive inheritance. Affected: no.
Comment: This is a nonsynonymous variant in the GNE gene (OMIM: 603824). Pathogenic variants in this gene have been associated with autosomal recessive Nonaka myopathy. This is an established founder variant in the Indian population (PMID: 29480215) (PS4). This variant has been reported in the compound heterozygous state in multiple affected individuals (PMID: 11528398, 20175955, 38383974) and has been observed to segregate with disease in at least 4 individuals from one family (PMID: 21708040). Functional studies have shown that this variant alters GNE protein function (PMID: 35398442) (PS3), and multiple computational algorithms predict a deleterious effect for this variant (REVEL score: 0.857) (PP3). This variant has a 1.2407% maximum allele frequency in non-founder control populations. Based on the current evidence, this variant is classified as likely pathogenic for autosomal recessive Nonaka myopathy.

Revvity Omics, Revvity
Classification: Pathogenic. Last evaluated: 2025-05-25. Review status: criteria provided, single submitter. Criteria: ACMG Guidelines, 2015. Collection method: clinical testing. Allele origin: germline.